The following is an entry in ClinVar:

ClinVar aggregate classification (germline): Conflicting classifications of pathogenicity. Review status: criteria provided, conflicting classifications (1 of 4 stars). 4 submissions from 4 submitters: Uncertain significance (3); Likely benign (1). Last evaluated 2025-06-16.

Conditions:
Corneal dystrophy. Identifiers: Orphanet 34533, MedGen C0010036, MONDO:0018102, HP:0001131.
Thiel-Behnke corneal dystrophy (CDTB). Also called: Corneal dystrophy honeycomb shaped; Corneal dystrophy of the Bowman layer type 2. Identifiers: Orphanet 98960, MedGen C1562894, MONDO:0011185, OMIM 602082.
Reis-Bucklers' corneal dystrophy (CDRB). Also called: GRANULAR CORNEAL DYSTROPHY, TYPE III. Identifiers: Orphanet 98961, MedGen C0339278, MONDO:0012043, OMIM 608470.
Avellino corneal dystrophy (CDA). Also called: Granular-lattice (Avellino) corneal dystrophy; Combined granular-lattice corneal dystrophies; Granular and lattice corneal dystrophies; Granular corneal dystrophy type 2; COMBINED GRANULAR-LATTICE CORNEAL DYSTROPHY; GRANULAR CORNEAL DYSTROPHY, TYPE II. Identifiers: Orphanet 98963, MedGen C1275685, MONDO:0011855, OMIM 607541.
Epithelial basement membrane dystrophy. Also called: Microcystic dystrophy of the cornea; Corneal dystrophy, Cogan type; Map-dot-fingerprint dystrophy of cornea; Map-dot-fingerprint corneal dystrophy; Corneal epithelial dystrophy; CORNEAL DYSTROPHY, ANTERIOR BASEMENT MEMBRANE. Identifiers: Orphanet 98956, MedGen C0521723, MONDO:0007375, OMIM 121820, HP:0007690.
Lattice corneal dystrophy Type I (CDL1). Identifiers: Orphanet 98964, MedGen C1690006, MONDO:0007380, OMIM 122200.
Corneal dystrophy, lattice type 3A (CDL3A). Also called: Lattice corneal dystrophy type III A. Identifiers: Orphanet 98964, MedGen C1837974, MONDO:0012044, OMIM 608471.
Groenouw corneal dystrophy type I (CDGG1). Also called: GRANULAR CORNEAL DYSTROPHY, TYPE I. Identifiers: Orphanet 98962, MedGen C1641846, MONDO:0007377, OMIM 121900.

Allele frequency attached by ClinVar (database versions not stated): TOPMed 0.00046; gnomAD 0.00047 and 0.00051; gnomAD exomes 0.00047; ExAC 0.00056; ESP Exome Variant Server 0.00073.
gnomAD v4.1: 694 of 1,613,536 alleles (0.043%); highest among the groups gnomAD compares: Non-Finnish European, 0.05%; 1 homozygote.

Submissions (4):

Labcorp Genetics (formerly Invitae), Labcorp
Classification: Likely benign. Last evaluated: 2025-06-16. Review status: criteria provided, single submitter. Criteria: Invitae Variant Classification Sherloc (09022015). Collection method: clinical testing. Allele origin: germline.

Department of Pathology and Laboratory Medicine, Sinai Health System
Classification: Uncertain significance for Thiel-Behnke corneal dystrophy; Reis-Bucklers' corneal dystrophy; Groenouw corneal dystrophy type I; Corneal dystrophy, lattice type 3A; Lattice corneal dystrophy Type I; Epithelial basement membrane dystrophy; Avellino corneal dystrophy. Last evaluated: 2022-10-11. Review status: criteria provided, single submitter. Criteria: ACMG Guidelines, 2015. Collection method: research. Allele origin: germline.

Illumina Laboratory Services, Illumina
Classification: Uncertain significance for Corneal dystrophy. Last evaluated: 2017-04-27. Review status: criteria provided, single submitter. Criteria: ICSL Variant Classification Criteria 13 December 2019. Collection method: clinical testing. Allele origin: germline.
Comment: This variant was observed as part of a predisposition screen in an ostensibly healthy population. A literature search was performed for the gene, cDNA change, and amino acid change (where applicable). Publications were found based on this search. However, the evidence from the literature, in combination with allele frequency data from public databases where available, was not sufficient to rule this variant in or out of causing disease. Therefore, this variant is classified as a variant of unknown significance.

Breakthrough Genomics
Classification: Uncertain significance. Review status: criteria provided, single submitter. Criteria: ACMG Guidelines, 2015. Collection method: not provided. Allele origin: germline. Inheritance: Autosomal dominant inheritance. Affected: yes.

Literature cited by the submitters: PubMed 16670477 (cited by Illumina Laboratory Services, Illumina).

NM_000358.3(TGFBI):c.895G>A (p.Asp299Asn)

Gene: TGFBI (transforming growth factor beta induced; plus strand). Cytogenetic location: 5q31.1.
Variant type: single nucleotide variant.
Coding change: c.895G>A on transcript NM_000358.3 (MANE Select); coding-DNA position 895, G replaced by A.
Protein change: p.Asp299Asn; replaces aspartic acid 299 with asparagine.
Molecular consequence: missense variant.
Genome position (GRCh38, 1-based): chr5:136,049,562, G>A. VCF-style: chr5-136049562-G-A. GRCh37 (hg19) VCF-style: chr5-135385251-G-A.
Other names: short protein forms D299N.
Identifiers: ClinVar variation 904412 (VCV000904412.10), dbSNP rs202239395, ClinGen allele CA3420188.